The following is an entry in ClinVar:

NM_013254.4(TBK1):c.1058T>C (p.Ile353Thr)

Gene: TBK1 (TANK binding kinase 1; plus strand). Cytogenetic location: 12q14.2.
Variant type: single nucleotide variant.
Coding change: c.1058T>C on transcript NM_013254.4 (MANE Select); coding-DNA position 1058, T replaced by C.
Protein change: p.Ile353Thr; replaces isoleucine 353 with threonine.
Molecular consequence: missense variant.
Genome position (GRCh38, 1-based): chr12:64,484,368, T>C. VCF-style: chr12-64484368-T-C. GRCh37 (hg19) VCF-style: chr12-64878148-T-C.
Other names: c.1058T>C (NM_013254.3); short protein forms I353T.
Identifiers: ClinVar variation 2193886 (VCV002193886.6), dbSNP rs753694282, ClinGen allele CA6668959.

ClinVar aggregate classification (germline): Uncertain significance. Review status: criteria provided, multiple submitters, no conflicts (2 of 4 stars). 2 submissions from 2 submitters: Uncertain significance (2). Last evaluated 2025-05-09.

Conditions:
Frontotemporal dementia and/or amyotrophic lateral sclerosis 4. Also called: FTDALS4. Identifiers: Orphanet 275872, MedGen C4225325, MONDO:0014641, OMIM 616439.
TBK1-related disorder. Also called: TBK1-related condition.

gnomAD v4.1: 13 of 1,614,022 alleles (0.00081%); highest among the groups gnomAD compares: Middle Eastern, 0.016%; no homozygotes.

Submissions (2):

PreventionGenetics, part of Exact Sciences
Classification: Uncertain significance for TBK1-related condition. Last evaluated: 2025-05-09. Review status: criteria provided, single submitter. Criteria: ACMG Guidelines, 2015. Collection method: clinical testing. Allele origin: germline.
Comment: The TBK1 c.1058T>C variant is predicted to result in the amino acid substitution p.Ile353Thr. To our knowledge, this variant has not been reported in the literature; however, another single nucleotide change impacting the same amino acid has been reported in a patient with frontotemporal dementia without any supporting genetic or functional data (c.1057A>G, p.Ile353Val; van der Zee J et al 2017. PubMed ID: 28008748). This variant is reported in 0.0087% of alleles in individuals of Latino descent in gnomAD. At this time, the clinical significance of this variant is uncertain due to the absence of conclusive functional and genetic evidence.

Labcorp Genetics (formerly Invitae), Labcorp
Classification: Uncertain significance for Frontotemporal dementia and/or amyotrophic lateral sclerosis 4. Last evaluated: 2022-10-17. Review status: criteria provided, single submitter. Criteria: Invitae Variant Classification Sherloc (09022015). Collection method: clinical testing. Allele origin: germline.
Comment: In summary, the available evidence is currently insufficient to determine the role of this variant in disease. Therefore, it has been classified as a Variant of Uncertain Significance. Advanced modeling of protein sequence and biophysical properties (such as structural, functional, and spatial information, amino acid conservation, physicochemical variation, residue mobility, and thermodynamic stability) performed at Invitae indicates that this missense variant is not expected to disrupt TBK1 protein function. This variant has not been reported in the literature in individuals affected with TBK1-related conditions. This variant is present in population databases (rs753694282, gnomAD 0.009%). This sequence change replaces isoleucine, which is neutral and non-polar, with threonine, which is neutral and polar, at codon 353 of the TBK1 protein (p.Ile353Thr).